The following is an entry in ClinVar:

NM_000528.4(MAN2B1):c.3004G>A (p.Ala1002Thr)

Gene: MAN2B1 (mannosidase alpha class 2B member 1; minus strand). Cytogenetic location: 19p13.13.
Variant type: single nucleotide variant.
Coding change: c.3004G>A on transcript NM_000528.4 (MANE Select); coding-DNA position 3004, G replaced by A.
Protein change: p.Ala1002Thr; replaces alanine 1002 with threonine.
Molecular consequence: missense variant.
Genome position (GRCh38, 1-based): chr19:12,646,652, C>T on the plus strand (G>A on the coding strand, the complement: MAN2B1 is on the minus strand). VCF-style: chr19-12646652-C-T. GRCh37 (hg19) VCF-style: chr19-12757466-C-T.
Other names: c.3001G>A, p.Ala1001Thr (NM_001173498.2); c.3004G>A (NM_000528.3); short protein forms A1002T, A1001T.
Identifiers: ClinVar variation 2183885 (VCV002183885.2), dbSNP rs1294764488, ClinGen allele CA404236774.

ClinVar aggregate classification (germline): Uncertain significance. Review status: criteria provided, multiple submitters, no conflicts (2 of 4 stars). 2 submissions from 2 submitters: Uncertain significance (2). Last evaluated 2022-10-17.

Conditions:
Deficiency of alpha-mannosidase (MANSA). Also called: LYSOSOMAL ALPHA-D-MANNOSIDASE DEFICIENCY; Mannosidosis, alpha-, types I and II; Alpha-Mannosidosis. Identifiers: Orphanet 61, MedGen C0024748, MONDO:0009561, OMIM 248500.
Inborn genetic diseases. Identifiers: MedGen C0950123, MeSH D030342.

Allele frequency attached by ClinVar (database versions not stated): TOPMed below 0.00001; gnomAD 0.00001; gnomAD exomes 0.00001.
gnomAD v4.1: 4 of 1,613,836 alleles (0.00025%); highest among the groups gnomAD compares: Admixed American, 0.0033%; no homozygotes.

Submissions (2):

Labcorp Genetics (formerly Invitae), Labcorp
Classification: Uncertain significance for Deficiency of alpha-mannosidase. Last evaluated: 2022-10-17. Review status: criteria provided, single submitter. Criteria: Invitae Variant Classification Sherloc (09022015). Collection method: clinical testing. Allele origin: germline.
Comment: This sequence change replaces alanine, which is neutral and non-polar, with threonine, which is neutral and polar, at codon 1002 of the MAN2B1 protein (p.Ala1002Thr). This variant is present in population databases (no rsID available, gnomAD 0.003%). This variant has not been reported in the literature in individuals affected with MAN2B1-related conditions. Advanced modeling of protein sequence and biophysical properties (such as structural, functional, and spatial information, amino acid conservation, physicochemical variation, residue mobility, and thermodynamic stability) performed at Invitae indicates that this missense variant is not expected to disrupt MAN2B1 protein function. In summary, the available evidence is currently insufficient to determine the role of this variant in disease. Therefore, it has been classified as a Variant of Uncertain Significance.

Ambry Genetics
Classification: Uncertain significance for Inborn genetic diseases. Last evaluated: 2021-10-18. Review status: criteria provided, single submitter. Criteria: Ambry Variant Classification Scheme 2023. Collection method: clinical testing. Allele origin: germline.